The following is an entry in ClinVar:

ClinVar aggregate classification (germline): Uncertain significance. Review status: criteria provided, multiple submitters, no conflicts (2 of 4 stars). 2 submissions from 2 submitters: Uncertain significance (2). Last evaluated 2025-11-05.

Allele frequency attached by ClinVar (database versions not stated): gnomAD exomes below 0.00001.
gnomAD v4.1: 2 of 1,614,136 alleles (0.00012%); highest among the groups gnomAD compares: Admixed American, 0.0033%; no homozygotes.

Submissions (2):

Ambry Genetics
Classification: Uncertain significance. Last evaluated: 2025-11-05. Review status: criteria provided, single submitter. Criteria: Ambry Variant Classification Scheme 2023. Collection method: clinical testing. Allele origin: germline.

Labcorp Genetics (formerly Invitae), Labcorp
Classification: Uncertain significance. Last evaluated: 2023-12-15. Review status: criteria provided, single submitter. Criteria: Invitae Variant Classification Sherloc (09022015). Collection method: clinical testing. Allele origin: germline.
Comment: This sequence change replaces aspartic acid, which is acidic and polar, with valine, which is neutral and non-polar, at codon 176 of the GALNT12 protein (p.Asp176Val). This variant is not present in population databases (gnomAD no frequency). This variant has not been reported in the literature in individuals affected with GALNT12-related conditions. Advanced modeling of protein sequence and biophysical properties (such as structural, functional, and spatial information, amino acid conservation, physicochemical variation, residue mobility, and thermodynamic stability) performed at Invitae indicates that this missense variant is expected to disrupt GALNT12 protein function with a positive predictive value of 80%. In summary, the available evidence is currently insufficient to determine the role of this variant in disease. Therefore, it has been classified as a Variant of Uncertain Significance.

NM_024642.5(GALNT12):c.527A>T (p.Asp176Val)

Gene: GALNT12 (polypeptide N-acetylgalactosaminyltransferase 12; plus strand). Cytogenetic location: 9q22.33.
Variant type: single nucleotide variant.
Coding change: c.527A>T on transcript NM_024642.5 (MANE Select); coding-DNA position 527, A replaced by T.
Protein change: p.Asp176Val; replaces aspartic acid 176 with valine.
Molecular consequence: missense variant.
Genome position (GRCh38, 1-based): chr9:98,823,411, A>T. VCF-style: chr9-98823411-A-T. GRCh37 (hg19) VCF-style: chr9-101585693-A-T.
Other names: short protein forms D176V.
Identifiers: ClinVar variation 2586460 (VCV002586460.6), dbSNP rs2490492852, ClinGen allele CA374216888.